The following is an entry in ClinVar:

ClinVar aggregate classification (germline): Likely pathogenic (1 of 4 stars; one submission).

Conditions:
Neuromuscular disease caused by qualitative or quantitative defects of dysferlin. Also called: Dysferlinopathy; Qualitative or quantitative defects of dysferlin. Identifiers: Orphanet 207073, MedGen C2931687, MONDO:0016145.

Submission:

Labcorp Genetics (formerly Invitae), Labcorp
Classification: Likely pathogenic for Neuromuscular disease caused by qualitative or quantitative defects of dysferlin. Last evaluated: 2024-01-24. Review status: criteria provided, single submitter. Criteria: Invitae Variant Classification Sherloc (09022015). Collection method: clinical testing. Allele origin: germline.
Comment: This sequence change replaces aspartic acid, which is acidic and polar, with glycine, which is neutral and non-polar, at codon 1914 of the DYSF protein (p.Asp1914Gly). This variant is not present in population databases (gnomAD no frequency). This missense change has been observed in individual(s) with clinical features of DYSF-related conditions (Invitae). In at least one individual the data is consistent with being in trans (on the opposite chromosome) from a pathogenic variant. Advanced modeling of protein sequence and biophysical properties (such as structural, functional, and spatial information, amino acid conservation, physicochemical variation, residue mobility, and thermodynamic stability) performed at Invitae indicates that this missense variant is expected to disrupt DYSF protein function with a positive predictive value of 95%. In summary, the currently available evidence indicates that the variant is pathogenic, but additional data are needed to prove that conclusively. Therefore, this variant has been classified as Likely Pathogenic.

NM_001130987.2(DYSF):c.5858A>G (p.Asp1953Gly)

Gene: DYSF (dysferlin; plus strand). Cytogenetic location: 2p13.2.
Variant type: single nucleotide variant.
Coding change: c.5858A>G on transcript NM_001130987.2 (MANE Select); coding-DNA position 5858, A replaced by G.
Protein change: p.Asp1953Gly; replaces aspartic acid 1953 with glycine.
Molecular consequence: missense variant.
Genome position (GRCh38, 1-based): chr2:71,674,270, A>G. VCF-style: chr2-71674270-A-G. GRCh37 (hg19) VCF-style: chr2-71901400-A-G.
Other names: c.5792A>G, p.Asp1931Gly (NM_001130980.2); c.5855A>G, p.Asp1952Gly (NM_001130981.2); c.5837A>G, p.Asp1946Gly (NM_001130982.2); c.5807A>G, p.Asp1936Gly (NM_001130983.2); c.5765A>G, p.Asp1922Gly (NM_001130984.2); c.5795A>G, p.Asp1932Gly (NM_001130985.2); c.5702A>G, p.Asp1901Gly (NM_001130986.2); c.5741A>G, p.Asp1914Gly (NM_003494.4); and 5 more; short protein forms D1935G, D1946G, D1953G, D1914G, D1915G, D1932G, D1952G, D1900G.
Identifiers: ClinVar variation 2759945 (VCV002759945.3), dbSNP rs1237492797, ClinGen allele CA347225328.